The following is an entry in ClinVar:

NM_000179.3(MSH6):c.2625G>A (p.Met875Ile)

Gene: MSH6 (mutS homolog 6; plus strand). Cytogenetic location: 2p16.3.
Variant type: single nucleotide variant.
Coding change: c.2625G>A on transcript NM_000179.3 (MANE Select); coding-DNA position 2625, G replaced by A.
Protein change: p.Met875Ile; replaces methionine 875 with isoleucine.
Molecular consequence: missense variant. On other transcripts: non-coding transcript variant (5), intron variant (3).
Genome position (GRCh38, 1-based): chr2:47,800,608, G>A. VCF-style: chr2-47800608-G-A. GRCh37 (hg19) VCF-style: chr2-48027747-G-A.
Other names: c.2235G>A, p.Met745Ile (NM_001281492.2); c.1719G>A, p.Met573Ile (NM_001281493.2, NM_001281494.2, NM_001406811.1 and 6 more transcripts); c.2721G>A, p.Met907Ile (NM_001406795.1, NM_001406802.1); c.2625G>A, p.Met875Ile (NM_001406796.1, NM_001406798.1, NM_001406800.1 and 2 more transcripts); c.2328G>A, p.Met776Ile (NM_001406797.1, NM_001406801.1, NM_001406805.1 and 10 more transcripts); c.2100G>A, p.Met700Ile (NM_001406799.1, NM_001406806.1, NM_001406807.1); c.2547G>A, p.Met849Ile (NM_001406804.1); c.2631G>A, p.Met877Ile (NM_001406813.1); and 4 more; short protein forms M573I, M700I, M745I, M819I, M849I, M875I, M907I, M776I.
Identifiers: ClinVar variation 2567455 (VCV002567455.2), dbSNP rs2104415764, ClinGen allele CA346755045.

ClinVar aggregate classification (germline): Uncertain significance (1 of 4 stars; one submission).

Conditions:
Hereditary cancer-predisposing syndrome. Also called: Hereditary neoplastic syndrome; Hereditary Cancer Syndrome; Neoplastic Syndromes, Hereditary; Tumor predisposition. Identifiers: Orphanet 140162, MedGen C0027672, MeSH D009386, MONDO:0015356.

Submission:

Ambry Genetics
Classification: Uncertain significance for Hereditary cancer-predisposing syndrome. Last evaluated: 2023-04-12. Review status: criteria provided, single submitter. Criteria: Ambry Variant Classification Scheme 2023. Collection method: clinical testing. Allele origin: germline.
Comment: The p.M875I variant (also known as c.2625G>A), located in coding exon 4 of the MSH6 gene, results from a G to A substitution at nucleotide position 2625. The methionine at codon 875 is replaced by isoleucine, an amino acid with highly similar properties. This amino acid position is not well conserved in available vertebrate species. In addition, the in silico prediction for this alteration is inconclusive. Since supporting evidence is limited at this time, the clinical significance of this alteration remains unclear.